The following is an entry in ClinVar:

NM_000062.3(SERPING1):c.1364_1375del (p.Glu455_Ala458del)

Gene: SERPING1 (serpin family G member 1; plus strand). Cytogenetic location: 11q12.1.
Variant type: Deletion.
Coding change: c.1364_1375del on transcript NM_000062.3 (MANE Select); coding-DNA positions 1364 to 1375, 12 bases deleted (AGGCGGCTGCAG).
Protein change: p.Glu455_Ala458del.
Molecular consequence: inframe deletion.
Genome position (GRCh38, 1-based): chr11:57,614,442-57,614,453, AGGCGGCTGCAG deleted; deleting any 12 consecutive bases within chr11:57,614,441-57,614,453 gives the same sequence; the c. name uses the placement nearest the transcript's 3' end. VCF-style (leftmost placement, unchanged base first): chr11-57614440-GGAGGCGGCTGCA-G. GRCh37 (hg19) VCF-style: chr11-57381913-GGAGGCGGCTGCA-G.
Other names: c.1364_1375del, p.Glu455_Ala458del (NM_001032295.2).
Identifiers: ClinVar variation 2837525 (VCV002837525.3), dbSNP rs2495458191, ClinGen allele CA2739270451.

ClinVar aggregate classification (germline): Uncertain significance (1 of 4 stars; one submission).

Submission:

Labcorp Genetics (formerly Invitae), Labcorp
Classification: Uncertain significance. Last evaluated: 2023-02-14. Review status: criteria provided, single submitter. Criteria: Invitae Variant Classification Sherloc (09022015). Collection method: clinical testing. Allele origin: germline.
Comment: In summary, the available evidence is currently insufficient to determine the role of this variant in disease. Therefore, it has been classified as a Variant of Uncertain Significance. This variant, c.1364_1375del, results in the deletion of 4 amino acid(s) of the SERPING1 protein (p.Glu455_Ala458del), but otherwise preserves the integrity of the reading frame. This variant is not present in population databases (gnomAD no frequency). This variant has not been reported in the literature in individuals affected with SERPING1-related conditions. Experimental studies and prediction algorithms are not available or were not evaluated, and the functional significance of this variant is currently unknown.